The following is an entry in ClinVar:

NM_002291.3(LAMB1):c.880-1G>A

Gene: LAMB1 (laminin subunit beta 1; minus strand). Cytogenetic location: 7q31.1.
Variant type: single nucleotide variant.
Coding change: c.880-1G>A on transcript NM_002291.3 (MANE Select); the canonical splice acceptor site of the intron before coding-DNA position 880, G replaced by A.
Molecular consequence: splice acceptor variant.
Genome position (GRCh38, 1-based): chr7:107,978,168, C>T on the plus strand (G>A on the coding strand, the complement: LAMB1 is on the minus strand). VCF-style: chr7-107978168-C-T. GRCh37 (hg19) VCF-style: chr7-107618613-C-T.
Identifiers: ClinVar variation 4056575 (VCV004056575.1).

ClinVar aggregate classification (germline): Likely pathogenic (1 of 4 stars; one submission).

Conditions:
Cobblestone lissencephaly without muscular or ocular involvement. Also called: Lissencephaly 5; LEUKOENCEPHALOPATHY WITH VARIABLE CORTICAL BRAIN MALFORMATIONS AND/OR HYDROCEPHALUS. Identifiers: Orphanet 352682, MedGen C3554657, MONDO:0014077, OMIM 615191.

Submission:

Laboratorio de Genetica e Diagnostico Molecular, Hospital Israelita Albert Einstein
Classification: Likely pathogenic for Cobblestone lissencephaly without muscular or ocular involvement. Last evaluated: 2024-09-24. Review status: criteria provided, single submitter. Criteria: ACMG Guidelines, 2015. Collection method: clinical testing. Allele origin: germline. Affected: yes.
Comment: ACMG classification criteria: PVS1 very strong, PM2 supporting